The following is an entry in ClinVar:

ClinVar aggregate classification (germline): Uncertain significance (1 of 4 stars; one submission).

Submission:

Labcorp Genetics (formerly Invitae), Labcorp
Classification: Uncertain significance. Last evaluated: 2022-07-06. Review status: criteria provided, single submitter. Criteria: Invitae Variant Classification Sherloc (09022015). Collection method: clinical testing. Allele origin: germline.
Comment: This variant is not present in population databases (gnomAD no frequency). In summary, the available evidence is currently insufficient to determine the role of this variant in disease. Therefore, it has been classified as a Variant of Uncertain Significance. Algorithms developed to predict the effect of missense changes on protein structure and function are either unavailable or do not agree on the potential impact of this missense change (SIFT: "Not Available"; PolyPhen-2: "Possibly Damaging"; Align-GVGD: "Not Available"). ClinVar contains an entry for this variant (Variation ID: 1060155). This variant has not been reported in the literature in individuals affected with TIMM50-related conditions. This sequence change replaces leucine, which is neutral and non-polar, with phenylalanine, which is neutral and non-polar, at codon 432 of the TIMM50 protein (p.Leu432Phe).

NM_001001563.5(TIMM50):c.985C>T (p.Leu329Phe)

Gene: TIMM50 (translocase of inner mitochondrial membrane 50; plus strand). Cytogenetic location: 19q13.2.
Variant type: single nucleotide variant.
Coding change: c.985C>T on transcript NM_001001563.5 (MANE Select); coding-DNA position 985, C replaced by T.
Protein change: p.Leu329Phe; replaces leucine 329 with phenylalanine.
Molecular consequence: missense variant.
Genome position (GRCh38, 1-based): chr19:39,489,743, C>T. VCF-style: chr19-39489743-C-T. GRCh37 (hg19) VCF-style: chr19-39980383-C-T.
Other names: c.646C>T, p.Leu216Phe (NM_001329559.2); short protein forms L216F, L329F.
Identifiers: ClinVar variation 1060155 (VCV001060155.9), dbSNP rs2144740745, ClinGen allele CA405790837.
Genomic context (GRCh38, chr19:39,489,743, plus strand): 5'-CGCTGACCCTCTCCTCCAACTGTCCCCCTACCCCAGGAGGAGCAGCAGCGCCTGGCCGAG[C>T]TCTCCAAGTCCAACAAGCAGAACCTCTTCCTTGGCTCCCTCACCAGCCGCTTGTGGCCTC-3'
Protein context (NP_001001563.2, residues 319-339): EQEEQQRLAE[Leu329Phe]SKSNKQNLFL